The following is an entry in ClinVar:

ClinVar aggregate classification (germline): Uncertain significance (1 of 4 stars; one submission).

Conditions:
Nephrolithiasis/nephrocalcinosis. Identifiers: MedGen CN580796.

Allele frequency attached by ClinVar (database versions not stated): gnomAD exomes below 0.00001.
gnomAD v4.1: 1 of 1,614,160 alleles (0.000062%); highest among the groups gnomAD compares: Non-Finnish European, 0.000085%; no homozygotes.

Submission:

Ambry Genetics
Classification: Uncertain significance for Nephrolithiasis/nephrocalcinosis. Last evaluated: 2023-04-16. Review status: criteria provided, single submitter. Criteria: Ambry Variant Classification Scheme 2023. Collection method: clinical testing. Allele origin: germline.
Comment: The p.S956F variant (also known as c.2867C>T), located in coding exon 6 of the CASR gene, results from a C to T substitution at nucleotide position 2867. The serine at codon 956 is replaced by phenylalanine, an amino acid with highly dissimilar properties. This amino acid position is conserved. In addition, this alteration is predicted to be tolerated by in silico analysis. Since supporting evidence is limited at this time, the clinical significance of this alteration remains unclear.

NM_000388.4(CASR):c.2867C>T (p.Ser956Phe)

Gene: CASR (calcium sensing receptor; plus strand). Cytogenetic location: 3q21.1.
Variant type: single nucleotide variant.
Coding change: c.2867C>T on transcript NM_000388.4 (MANE Select); coding-DNA position 2867, C replaced by T.
Protein change: p.Ser956Phe; replaces serine 956 with phenylalanine.
Molecular consequence: missense variant.
Genome position (GRCh38, 1-based): chr3:122,284,821, C>T. VCF-style: chr3-122284821-C-T. GRCh37 (hg19) VCF-style: chr3-122003668-C-T.
Other names: c.2897C>T, p.Ser966Phe (NM_001178065.2); short protein forms S956F, S966F.
Identifiers: ClinVar variation 3231558 (VCV003231558.1), dbSNP rs2074947543, ClinGen allele CA354160942.
Genomic context (GRCh38, chr3:122,284,821, plus strand): 5'-TGGCCCTAACCCAGCAAGAGCAGCAGCAGCAGCCCCTGACCCTCCCACAGCAGCAACGAT[C>T]TCAGCAGCAGCCCAGATGCAAGCAGAAGGTCATCTTTGGCAGCGGCACGGTCACCTTCTC-3'
Protein context (NP_000379.3, residues 946-966): QPLTLPQQQR[Ser956Phe]QQQPRCKQKV